The following is an entry in ClinVar:

NM_016156.6(MTMR2):c.1832T>C (p.Val611Ala)

Gene: MTMR2 (myotubularin related protein 2; minus strand). Cytogenetic location: 11q21.
Variant type: single nucleotide variant.
Coding change: c.1832T>C on transcript NM_016156.6 (MANE Select); coding-DNA position 1832, T replaced by C.
Protein change: p.Val611Ala; replaces valine 611 with alanine.
Molecular consequence: missense variant.
Genome position (GRCh38, 1-based): chr11:95,835,390, A>G on the plus strand (T>C on the coding strand, the complement: MTMR2 is on the minus strand). VCF-style: chr11-95835390-A-G. GRCh37 (hg19) VCF-style: chr11-95568554-A-G.
Other names: c.1616T>C, p.Val539Ala (NM_201278.3, NM_201281.3, NM_001243571.2); c.1832T>C (NM_016156.5); short protein forms V539A, V611A.
Identifiers: ClinVar variation 1060643 (VCV001060643.10), dbSNP rs1271455669, ClinGen allele CA382412732.
Genomic context (GRCh38, chr11:95,835,390, plus strand): 5'-GAGCTGGCTCTCTCTGAGGATGAGGTTGATCGGTTAGAAATCTCTCTCTGTAGTTCCTCT[A>G]CTTTTTTCTGAAGCTCTGCTCGTTTAGCAAGAAGTTCTTTGTATCTGTTGTGAATAGGTT-3'
Protein context (NP_057240.3, residues 601-621): LAKRAELQKK[Val611Ala]EELQREISNR

ClinVar aggregate classification (germline): Uncertain significance. Review status: criteria provided, multiple submitters, no conflicts (2 of 4 stars). 2 submissions from 2 submitters: Uncertain significance (2). Last evaluated 2025-11-12.

Conditions:
Charcot-Marie-Tooth disease type 4. Also called: Charcot-Marie-Tooth disease, type IV; Charcot-Marie-Tooth, Type 4. Identifiers: Orphanet 64749, MedGen C4082197, MONDO:0018995.
MTMR2-related disorder. Also called: MTMR2-related condition.

Allele frequency attached by ClinVar (database versions not stated): gnomAD exomes below 0.00001; gnomAD 0.00002; TOPMed 0.00006.
gnomAD v4.1: 5 of 1,613,044 alleles (0.00031%); highest among the groups gnomAD compares: Admixed American, 0.005%; no homozygotes.

Submissions (2):

PreventionGenetics, part of Exact Sciences
Classification: Uncertain significance for MTMR2-related condition. Last evaluated: 2025-11-12. Review status: criteria provided, single submitter. Criteria: ACMG Guidelines, 2015. Collection method: clinical testing. Allele origin: germline.
Comment: The MTMR2 c.1832T>C variant is predicted to result in the amino acid substitution p.Val611Ala. To our knowledge, this variant has not been reported in the literature. This variant is reported in 0.0% of alleles in individuals of African descent in gnomAD. At this time, the clinical significance of this variant is uncertain due to the absence of conclusive functional and genetic evidence.

Labcorp Genetics (formerly Invitae), Labcorp
Classification: Uncertain significance for Charcot-Marie-Tooth disease type 4. Last evaluated: 2020-09-01. Review status: criteria provided, single submitter. Criteria: Invitae Variant Classification Sherloc (09022015). Collection method: clinical testing. Allele origin: germline.
Comment: This variant is not present in population databases (ExAC no frequency). In summary, the available evidence is currently insufficient to determine the role of this variant in disease. Therefore, it has been classified as a Variant of Uncertain Significance. Algorithms developed to predict the effect of missense changes on protein structure and function (SIFT, PolyPhen-2, Align-GVGD) all suggest that this variant is likely to be tolerated, but these predictions have not been confirmed by published functional studies and their clinical significance is uncertain. This variant has not been reported in the literature in individuals with MTMR2-related conditions. This sequence change replaces valine with alanine at codon 611 of the MTMR2 protein (p.Val611Ala). The valine residue is highly conserved and there is a small physicochemical difference between valine and alanine.